The following is an entry in ClinVar:

NM_015404.4(WHRN):c.1411G>A (p.Ala471Thr)

Gene: WHRN (whirlin; minus strand). Cytogenetic location: 9q32.
Variant type: single nucleotide variant.
Coding change: c.1411G>A on transcript NM_015404.4 (MANE Select); coding-DNA position 1411, G replaced by A.
Protein change: p.Ala471Thr; replaces alanine 471 with threonine.
Molecular consequence: missense variant.
Genome position (GRCh38, 1-based): chr9:114,424,339, C>T on the plus strand (G>A on the coding strand, the complement: WHRN is on the minus strand). VCF-style: chr9-114424339-C-T. GRCh37 (hg19) VCF-style: chr9-117186619-C-T.
Other names: c.262G>A, p.Ala88Thr (NM_001083885.3); c.1411G>A, p.Ala471Thr (NM_001173425.2); c.358G>A, p.Ala120Thr (NM_001346890.1); short protein forms A471T, A120T, A88T.
Identifiers: ClinVar variation 1493407 (VCV001493407.8), dbSNP rs1589107090, ClinGen allele CA374608421.
Genomic context (GRCh38, chr9:114,424,339, plus strand): 5'-AGGATGCAGAGCCCTGGAAATGCTGAAGCCAGTTGGGAGGCAGGGCACGGGTCACCTTGG[C>T]GTGGGTGTTGAGCAGCTTGAACAGGGCCATGACGAGGGCCTCCACAGAGACGCTGCCACC-3'
Protein context (NP_056219.3, residues 461-481): MALFKLLNTH[Ala471Thr]KFSLLSEVRG

ClinVar aggregate classification (germline): Uncertain significance (1 of 4 stars; one submission).

Allele frequency attached by ClinVar (database versions not stated): gnomAD exomes below 0.00001.
gnomAD v4.1: 1 of 1,612,170 alleles (0.000062%); highest among the groups gnomAD compares: Non-Finnish European, 0.000085%; no homozygotes.

Submission:

Labcorp Genetics (formerly Invitae), Labcorp
Classification: Uncertain significance. Last evaluated: 2022-07-06. Review status: criteria provided, single submitter. Criteria: Invitae Variant Classification Sherloc (09022015). Collection method: clinical testing. Allele origin: germline.
Comment: In summary, the available evidence is currently insufficient to determine the role of this variant in disease. Therefore, it has been classified as a Variant of Uncertain Significance. Algorithms developed to predict the effect of missense changes on protein structure and function are either unavailable or do not agree on the potential impact of this missense change (SIFT: "Tolerated"; PolyPhen-2: "Possibly Damaging"; Align-GVGD: "Class C0"). ClinVar contains an entry for this variant (Variation ID: 1493407). This variant has not been reported in the literature in individuals affected with WHRN-related conditions. This variant is not present in population databases (gnomAD no frequency). This sequence change replaces alanine, which is neutral and non-polar, with threonine, which is neutral and polar, at codon 471 of the WHRN protein (p.Ala471Thr).